The following is an entry in ClinVar:

NM_018206.6(VPS35):c.1391T>C (p.Val464Ala)

Gene: VPS35 (VPS35 retromer complex component; minus strand). Cytogenetic location: 16q11.2.
Variant type: single nucleotide variant.
Coding change: c.1391T>C on transcript NM_018206.6 (MANE Select); coding-DNA position 1391, T replaced by C.
Protein change: p.Val464Ala; replaces valine 464 with alanine.
Molecular consequence: missense variant.
Genome position (GRCh38, 1-based): chr16:46,671,838, A>G on the plus strand (T>C on the coding strand, the complement: VPS35 is on the minus strand). VCF-style: chr16-46671838-A-G. GRCh37 (hg19) VCF-style: chr16-46705750-A-G.
Other names: short protein forms V464A.
Identifiers: ClinVar variation 472499 (VCV000472499.8), dbSNP rs1555465774, ClinGen allele CA395807458.
Genomic context (GRCh38, chr16:46,671,838, plus strand): 5'-AAATCTTCTGGATCAGGGTCTTCTACAGGTTGATCTGGCTGATCTTGAATCAACGTGGAT[A>G]CCAAATTCATTATGGAATCCACCTGTAACATGCGAGGCACAAGAAACCCACTGAGGTGAA-3'
Protein context (NP_060676.2, residues 454-474): QDQVDSIMNL[Val464Ala]STLIQDQPDQ

ClinVar aggregate classification (germline): Uncertain significance (1 of 4 stars; one submission).

Conditions:
Parkinson disease 17 (PARK17). Also called: VPS35-Related Parkinson Disease. Identifiers: Orphanet 411602, MedGen C3280133, MONDO:0013625, OMIM 614203.

Allele frequency attached by ClinVar (database versions not stated): gnomAD exomes below 0.00001.
gnomAD v4.1: 2 of 1,613,036 alleles (0.00012%); highest among the groups gnomAD compares: South Asian, 0.0022%; no homozygotes.

Submission:

Labcorp Genetics (formerly Invitae), Labcorp
Classification: Uncertain significance for Parkinson disease 17. Last evaluated: 2017-01-26. Review status: criteria provided, single submitter. Criteria: Invitae Variant Classification Sherloc (09022015). Collection method: clinical testing. Allele origin: germline.
Comment: In summary, this variant is a novel missense change that is not predicted to affect protein function. There is no indication that it causes disease, but the available evidence is currently insufficient to prove that conclusively. Therefore, it has been classified as a Variant of Uncertain Significance. Algorithms developed to predict the effect of missense changes on protein structure and function (SIFT, PolyPhen-2, Align-GVGD) all suggest that this variant is likely to be tolerated, but these predictions have not been confirmed by published functional studies. This variant is not present in population databases (ExAC no frequency) and has not been reported in the literature in individuals with a VPS35-related disease. This sequence change replaces valine with alanine at codon 464 of the VPS35 protein (p.Val464Ala). The valine residue is moderately conserved and there is a small physicochemical difference between valine and alanine.